The following is an entry in ClinVar:

ClinVar aggregate classification (germline): Uncertain significance (1 of 4 stars; one submission).

gnomAD v4.1: 3 of 1,614,142 alleles (0.00019%); highest among the groups gnomAD compares: South Asian, 0.0011%; no homozygotes.

Submission:

Ambry Genetics
Classification: Uncertain significance. Last evaluated: 2026-03-14. Review status: criteria provided, single submitter. Criteria: Ambry Variant Classification Scheme 2023. Collection method: clinical testing. Allele origin: germline.
Comment: The p.H955Y variant (also known as c.2863C>T), located in coding exon 1 of the TET2 gene, results from a C to T substitution at nucleotide position 2863. The histidine at codon 955 is replaced by tyrosine, an amino acid with similar properties. This amino acid position is conserved. In addition, this alteration is predicted to be tolerated by in silico analysis. Based on the available evidence, the clinical significance of this variant remains unclear.

NM_001127208.3(TET2):c.2863C>T (p.His955Tyr)

Genes: TET2 (tet methylcytosine dioxygenase 2; plus strand), TET2-AS1 (TET2 antisense RNA 1; minus strand). Cytogenetic location: 4q24.
Variant type: single nucleotide variant.
Coding change: c.2863C>T on transcript NM_001127208.3 (MANE Select); coding-DNA position 2863, C replaced by T.
Protein change: p.His955Tyr; replaces histidine 955 with tyrosine.
Molecular consequence: missense variant.
Genome position (GRCh38, 1-based): chr4:105,236,805, C>T. VCF-style: chr4-105236805-C-T. GRCh37 (hg19) VCF-style: chr4-106157962-C-T.
Other names: c.2863C>T, p.His955Tyr (NM_017628.4); short protein forms H955Y.
Identifiers: ClinVar variation 4827270 (VCV004827270.1).